The following is an entry in ClinVar:

NM_002900.3(RBP3):c.2113C>T (p.Pro705Ser)

Gene: RBP3 (retinol binding protein 3; plus strand). Cytogenetic location: 10q11.22.
Variant type: single nucleotide variant.
Coding change: c.2113C>T on transcript NM_002900.3 (MANE Select); coding-DNA position 2113, C replaced by T.
Protein change: p.Pro705Ser; replaces proline 705 with serine.
Molecular consequence: missense variant.
Genome position (GRCh38, 1-based): chr10:47,350,597, C>T. VCF-style: chr10-47350597-C-T. GRCh37 (hg19) VCF-style: chr10-48388765-G-A.
Other names: short protein forms P705S.
Identifiers: ClinVar variation 1500615 (VCV001500615.4), dbSNP rs201766131, ClinGen allele CA5487356.

ClinVar aggregate classification (germline): Uncertain significance (1 of 4 stars; one submission).

Allele frequency attached by ClinVar (database versions not stated): TOPMed 0.00001; gnomAD 0.00002 and 0.00003; gnomAD exomes 0.00002; ExAC 0.00003; 1000 Genomes Project 30x 0.00016; 1000 Genomes Project 0.00020.
gnomAD v4.1: 26 of 1,612,974 alleles (0.0016%); highest among the groups gnomAD compares: Non-Finnish European, 0.0019%; no homozygotes.

Submission:

Labcorp Genetics (formerly Invitae), Labcorp
Classification: Uncertain significance. Last evaluated: 2022-11-01. Review status: criteria provided, single submitter. Criteria: Invitae Variant Classification Sherloc (09022015). Collection method: clinical testing. Allele origin: germline.
Comment: Algorithms developed to predict the effect of missense changes on protein structure and function are either unavailable or do not agree on the potential impact of this missense change (SIFT: "Tolerated"; PolyPhen-2: "Possibly Damaging"; Align-GVGD: "Class C0"). In summary, the available evidence is currently insufficient to determine the role of this variant in disease. Therefore, it has been classified as a Variant of Uncertain Significance. ClinVar contains an entry for this variant (Variation ID: 1500615). This variant has not been reported in the literature in individuals affected with RBP3-related conditions. This variant is present in population databases (rs201766131, gnomAD 0.006%). This sequence change replaces proline, which is neutral and non-polar, with serine, which is neutral and polar, at codon 705 of the RBP3 protein (p.Pro705Ser).